The following is an entry in ClinVar:

NM_001378454.1(ALMS1):c.1813C>T (p.Pro605Ser)

Gene: ALMS1 (ALMS1 centrosome and basal body associated protein; plus strand). Cytogenetic location: 2p13.1.
Variant type: single nucleotide variant.
Coding change: c.1813C>T on transcript NM_001378454.1 (MANE Select); coding-DNA position 1813, C replaced by T.
Protein change: p.Pro605Ser; replaces proline 605 with serine.
Molecular consequence: missense variant.
Genome position (GRCh38, 1-based): chr2:73,448,340, C>T. VCF-style: chr2-73448340-C-T. GRCh37 (hg19) VCF-style: chr2-73675467-C-T.
Other names: c.1816C>T, p.Pro606Ser (NM_015120.4); short protein forms P606S, P605S.
Identifiers: ClinVar variation 1350864 (VCV001350864.3), dbSNP rs1671849058, ClinGen allele CA347265488.

ClinVar aggregate classification (germline): Uncertain significance (1 of 4 stars; one submission).

Conditions:
Alstrom syndrome (ALMS). Identifiers: Orphanet 64, MedGen C0268425, MONDO:0008763, OMIM 203800.

Allele frequency attached by ClinVar (database versions not stated): gnomAD exomes below 0.00001; TOPMed below 0.00001.
gnomAD v4.1: 2 of 1,613,926 alleles (0.00012%); highest among the groups gnomAD compares: Non-Finnish European, 0.000085%; no homozygotes.

Submission:

Labcorp Genetics (formerly Invitae), Labcorp
Classification: Uncertain significance for Alstrom syndrome. Last evaluated: 2021-03-08. Review status: criteria provided, single submitter. Criteria: Invitae Variant Classification Sherloc (09022015). Collection method: clinical testing. Allele origin: germline.
Comment: This sequence change replaces proline with serine at codon 606 of the ALMS1 protein (p.Pro606Ser). The proline residue is weakly conserved and there is a moderate physicochemical difference between proline and serine. This variant is not present in population databases (ExAC no frequency). This variant has not been reported in the literature in individuals with ALMS1-related conditions. Experimental studies and prediction algorithms are not available or were not evaluated, and the functional significance of this variant is currently unknown. In summary, the available evidence is currently insufficient to determine the role of this variant in disease. Therefore, it has been classified as a Variant of Uncertain Significance.